The following is an entry in ClinVar:

ClinVar aggregate classification (germline): Likely benign. Review status: criteria provided, multiple submitters, no conflicts (2 of 4 stars). 3 submissions from 3 submitters: Likely benign (3). Last evaluated 2025-09-14.

Conditions:
Hereditary cancer-predisposing syndrome. Also called: Neoplastic Syndromes, Hereditary; Hereditary neoplastic syndrome; Hereditary Cancer Syndrome; Tumor predisposition. Identifiers: Orphanet 140162, MedGen C0027672, MeSH D009386, MONDO:0015356.
POLD1-related polyposis and colorectal cancer syndrome (CRCS10). Also called: Colorectal cancer, susceptibility to, 10; Colorectal cancer 10; COLORECTAL CANCER, SUSCEPTIBILITY TO, ON CHROMOSOME 19q. Identifiers: Orphanet 220460, MedGen C2675481, MONDO:0012953, OMIM 612591.

Allele frequency attached by ClinVar (database versions not stated): gnomAD exomes below 0.00001; gnomAD 0.00001; TOPMed 0.00002.
gnomAD v4.1: 5 of 1,613,198 alleles (0.00031%); highest among the groups gnomAD compares: Non-Finnish European, 0.00042%; no homozygotes.

Submissions (3):

Labcorp Genetics (formerly Invitae), Labcorp
Classification: Likely benign for POLD1-related polyposis and colorectal cancer syndrome. Last evaluated: 2025-09-14. Review status: criteria provided, single submitter. Criteria: Invitae Variant Classification Sherloc (09022015). Collection method: clinical testing. Allele origin: germline.

Ambry Genetics
Classification: Likely benign for Hereditary cancer-predisposing syndrome. Last evaluated: 2017-12-22. Review status: criteria provided, single submitter. Criteria: Ambry Variant Classification Scheme 2023. Collection method: clinical testing. Allele origin: germline.

GeneDx
Classification: Likely benign. Last evaluated: 2017-07-24. Review status: criteria provided, single submitter. Criteria: GeneDx Variant Classification (06012015). Collection method: clinical testing. Allele origin: germline. Affected: yes.
Comment: This variant is considered likely benign or benign based on one or more of the following criteria: it is a conservative change, it occurs at a poorly conserved position in the protein, it is predicted to be benign by multiple in silico algorithms, and/or has population frequency not consistent with disease.

NM_002691.4(POLD1):c.2610C>T (p.Asp870=)

Gene: POLD1 (DNA polymerase delta 1, catalytic subunit; plus strand). Cytogenetic location: 19q13.33.
Variant type: single nucleotide variant.
Coding change: c.2610C>T on transcript NM_002691.4 (MANE Select); coding-DNA position 2610, C replaced by T.
Protein change: p.Asp870=; no amino-acid change (aspartic acid 870 retained).
Molecular consequence: synonymous variant. On other transcripts: non-coding transcript variant (1).
Genome position (GRCh38, 1-based): chr19:50,415,483, C>T. VCF-style: chr19-50415483-C-T. GRCh37 (hg19) VCF-style: chr19-50918740-C-T.
Other names: c.2610C>T, p.Asp870= (NM_001256849.1); c.2688C>T, p.Asp896= (NM_001308632.1).
Identifiers: ClinVar variation 386008 (VCV000386008.14), dbSNP rs967146480, ClinGen allele CA16608370.